The following is an entry in ClinVar:

NM_003052.5(SLC34A1):c.902T>C (p.Leu301Pro)

Gene: SLC34A1 (solute carrier family 34 member 1; plus strand). Cytogenetic location: 5q35.3.
Variant type: single nucleotide variant.
Coding change: c.902T>C on transcript NM_003052.5 (MANE Select); coding-DNA position 902, T replaced by C.
Protein change: p.Leu301Pro; replaces leucine 301 with proline.
Molecular consequence: missense variant.
Genome position (GRCh38, 1-based): chr5:177,388,338, T>C. VCF-style: chr5-177388338-T-C. GRCh37 (hg19) VCF-style: chr5-176815339-T-C.
Other names: c.902T>C (NM_003052.4); c.902T>C, p.Leu301Pro (NM_001167579.2); short protein forms L301P.
Identifiers: ClinVar variation 2183670 (VCV002183670.6), dbSNP rs148723160, ClinGen allele CA3580554.

ClinVar aggregate classification (germline): Uncertain significance. Review status: criteria provided, multiple submitters, no conflicts (2 of 4 stars). 3 submissions from 3 submitters: Uncertain significance (3). Last evaluated 2025-12-10.

Conditions:
Hypophosphatemic nephrolithiasis/osteoporosis 1. Identifiers: Orphanet 244305, MedGen C2676786, MONDO:0012850, OMIM 612286.
Hypercalcemia, infantile, 2 (HCINF2). Identifiers: Orphanet 300547, MedGen C4310473, MONDO:0014851, OMIM 616963.
Fanconi renotubular syndrome 2 (FRTS2). Identifiers: MedGen C3150652, MONDO:0013247, OMIM 613388.
Inborn genetic diseases. Identifiers: MedGen C0950123, MeSH D030342.

Allele frequency attached by ClinVar (database versions not stated): gnomAD exomes below 0.00001; ExAC 0.00002; gnomAD 0.00003; TOPMed 0.00005; ESP Exome Variant Server 0.00008.
gnomAD v4.1: 11 of 1,614,026 alleles (0.00068%); highest among the groups gnomAD compares: African/African-American, 0.013%; no homozygotes.

Submissions (3):

Ambry Genetics
Classification: Uncertain significance for Inborn genetic diseases. Last evaluated: 2025-12-10. Review status: criteria provided, single submitter. Criteria: Ambry Variant Classification Scheme 2023. Collection method: clinical testing. Allele origin: germline.

Fulgent Genetics
Classification: Uncertain significance for Hypophosphatemic nephrolithiasis/osteoporosis 1; Fanconi renotubular syndrome 2; Hypercalcemia, infantile, 2. Last evaluated: 2024-04-11. Review status: criteria provided, single submitter. Criteria: ACMG Guidelines, 2015. Collection method: clinical testing. Allele origin: germline.

Labcorp Genetics (formerly Invitae), Labcorp
Classification: Uncertain significance. Last evaluated: 2021-12-20. Review status: criteria provided, single submitter. Criteria: Invitae Variant Classification Sherloc (09022015). Collection method: clinical testing. Allele origin: germline.
Comment: In summary, the available evidence is currently insufficient to determine the role of this variant in disease. Therefore, it has been classified as a Variant of Uncertain Significance. Algorithms developed to predict the effect of missense changes on protein structure and function are either unavailable or do not agree on the potential impact of this missense change (SIFT: "Deleterious"; PolyPhen-2: "Probably Damaging"; Align-GVGD: "Class C0"). This variant has not been reported in the literature in individuals affected with SLC34A1-related conditions. This variant is present in population databases (rs148723160, gnomAD 0.01%). This sequence change replaces leucine, which is neutral and non-polar, with proline, which is neutral and non-polar, at codon 301 of the SLC34A1 protein (p.Leu301Pro).